The following is an entry in ClinVar:

NM_006493.4(CLN5):c.917del (p.Leu305_Leu306insTer)

Gene: CLN5 (CLN5 lysosomal BMP synthase; plus strand). Cytogenetic location: 13q22.3.
Variant type: Deletion.
Coding change: c.917del on transcript NM_006493.4 (MANE Select); coding-DNA position 917, one base deleted (T; older notation c.917delT).
Protein change: p.Leu305_Leu306insTer.
Molecular consequence: nonsense. On other transcripts: 3 prime UTR variant (1).
Genome position (GRCh38, 1-based): chr13:77,000,809, T deleted; the last of 2 consecutive T bases (chr13:77,000,808-77,000,809); deleting either gives the same sequence. VCF-style (leftmost placement, unchanged base first): chr13-77000807-GT-G. GRCh37 (hg19) VCF-style: chr13-77574942-GT-G.
Other names: c.1064del (LRG_692t1); c.*366del (NM_001366624.2).
Identifiers: ClinVar variation 558456 (VCV000558456.6), dbSNP rs1555274373, ClinGen allele CA658823731.

ClinVar aggregate classification (germline): Pathogenic. Review status: criteria provided, single submitter (1 of 4 stars). 2 submissions from 2 submitters: Pathogenic (1). 1 of the submissions does not count toward it. Last evaluated 2024-10-15.

Conditions:
Neuronal ceroid lipofuscinosis 5 (CLN5). Also called: CEROID LIPOFUSCINOSIS, NEURONAL, 5, VARIABLE AGE AT ONSET; Neuronal ceroid lipofuscinosis Finnish variant; NEURONAL CEROID LIPOFUSCINOSIS, LATE INFANTILE, FINNISH VARIANT; CLN5-Related Neuronal Ceroid-Lipofuscinosis. Identifiers: Orphanet 168491, Orphanet 228360, MedGen C1850442, MONDO:0009745, OMIM 256731.
Neuronal ceroid lipofuscinosis. Also called: Neuronal Ceroid Lipofuscinoses. Identifiers: Orphanet 216, Orphanet 79263, MedGen C0027877, MONDO:0016295. Disease mechanism: loss of function.

Submissions (2):

Labcorp Genetics (formerly Invitae), Labcorp
Classification: Pathogenic for Neuronal ceroid lipofuscinosis. Last evaluated: 2024-10-15. Review status: criteria provided, single submitter. Criteria: Invitae Variant Classification Sherloc (09022015). Collection method: clinical testing. Allele origin: germline.
Comment: This sequence change creates a premature translational stop signal (p.Leu355*) in the CLN5 gene. While this is not anticipated to result in nonsense mediated decay, it is expected to disrupt the last 53 amino acid(s) of the CLN5 protein. This variant is not present in population databases (gnomAD no frequency). This variant has not been reported in the literature in individuals affected with CLN5-related conditions. ClinVar contains an entry for this variant (Variation ID: 558456). Algorithms developed to predict the effect of sequence changes on RNA splicing suggest that this variant may create or strengthen a splice site. This variant disrupts a region of the CLN5 protein in which other variant(s) (p.Tyr392*) have been determined to be pathogenic (PMID: 9662406, 11971870, 20052765, 24038957, 24058541). This suggests that this is a clinically significant region of the protein, and that variants that disrupt it are likely to be disease-causing. For these reasons, this variant has been classified as Pathogenic.

Counsyl
Classification: Likely pathogenic for Neuronal ceroid lipofuscinosis 5. Last evaluated: 2018-05-23. Review status: no assertion criteria provided. Collection method: clinical testing. Allele origin: unknown. Not counted in ClinVar's aggregate classification.

Literature cited by the submitters: PubMed 9662406 (cited by Labcorp Genetics (formerly Invitae), Labcorp); PubMed 11971870 (cited by Labcorp Genetics (formerly Invitae), Labcorp); PubMed 20052765 (cited by Labcorp Genetics (formerly Invitae), Labcorp); PubMed 24038957 (cited by Labcorp Genetics (formerly Invitae), Labcorp and Counsyl); PubMed 24058541 (cited by Labcorp Genetics (formerly Invitae), Labcorp).